The following is an entry in ClinVar:

ClinVar aggregate classification (germline): Uncertain significance (1 of 4 stars; one submission).

Conditions:
Familial adenomatous polyposis 1 (FAP1). Also called: FAMILIAL ADENOMATOUS POLYPOSIS 1, ATTENUATED; POLYPOSIS, ADENOMATOUS INTESTINAL. Identifiers: MedGen C2713442, MONDO:0021056, OMIM 175100. Disease mechanism: loss of function.

Submission:

Labcorp Genetics (formerly Invitae), Labcorp
Classification: Uncertain significance for Familial adenomatous polyposis 1. Last evaluated: 2018-10-24. Review status: criteria provided, single submitter. Criteria: Invitae Variant Classification Sherloc (09022015). Collection method: clinical testing. Allele origin: germline.
Comment: This variant results in a copy number gain of the genomic region encompassing promoter 1B through exon 5 of the APC gene. The 5' end of this event is unknown as it extends beyond the assayed region for this gene and therefore may encompass additional genes. The 3' boundary is likely confined to intron 5 of the APC gene. As the precise location of this event is unknown, it may be in tandem or it may be located elsewhere in the genome. A similar copy number gain has not been reported in the literature in individuals with APC-related disease. Experimental studies and prediction algorithms are not available for this variant, and the functional significance this copy number gain is currently unknown. In summary, the available evidence is currently insufficient to determine the role of this variant in disease. Therefore, it has been classified as a Variant of Uncertain Significance.

NC_000005.9:g.(?_112043009)_(112111444_?)dup

Genes: APC (APC regulator of Wnt signaling pathway; plus strand), LOC129994371 (ATAC-STARR-seq lymphoblastoid active region 22910; plus strand). Cytogenetic location: 5q22.2.
Variant type: Duplication.
Identifiers: ClinVar variation 663961 (VCV000663961.1).